The following is an entry in ClinVar:

ClinVar aggregate classification (germline): Uncertain significance. Review status: criteria provided, multiple submitters, no conflicts (2 of 4 stars). 2 submissions from 2 submitters: Uncertain significance (2). Last evaluated 2024-05-09.

Conditions:
Inborn genetic diseases. Identifiers: MedGen C0950123, MeSH D030342.

Allele frequency attached by ClinVar (database versions not stated): ExAC 0.00006; gnomAD 0.00009; gnomAD exomes 0.00012.
gnomAD v4.1: 180 of 1,589,784 alleles (0.011%); highest among the groups gnomAD compares: Non-Finnish European, 0.015%; no homozygotes.

Submissions (2):

GeneDx
Classification: Uncertain significance. Last evaluated: 2024-05-09. Review status: criteria provided, single submitter. Criteria: GeneDx Variant Classification Process June 2021. Collection method: clinical testing. Allele origin: germline. Affected: yes.
Comment: Not observed at significant frequency in large population cohorts (gnomAD); In silico analysis supports that this missense variant has a deleterious effect on protein structure/function; Has not been previously published as pathogenic or benign to our knowledge

Ambry Genetics
Classification: Uncertain significance for Inborn genetic diseases. Last evaluated: 2023-06-01. Review status: criteria provided, single submitter. Criteria: Ambry Variant Classification Scheme 2023. Collection method: clinical testing. Allele origin: germline.

NM_002887.4(RARS1):c.748G>A (p.Ala250Thr)

Gene: RARS1 (arginyl-tRNA synthetase 1; plus strand). Cytogenetic location: 5q34.
Variant type: single nucleotide variant.
Coding change: c.748G>A on transcript NM_002887.4 (MANE Select); coding-DNA position 748, G replaced by A.
Protein change: p.Ala250Thr; replaces alanine 250 with threonine.
Molecular consequence: missense variant.
Genome position (GRCh38, 1-based): chr5:168,497,274, G>A. VCF-style: chr5-168497274-G-A. GRCh37 (hg19) VCF-style: chr5-167924279-G-A.
Other names: short protein forms A250T.
Identifiers: ClinVar variation 2545617 (VCV002545617.3), dbSNP rs751086886, ClinGen allele CA3549712.